The following is an entry in ClinVar:

NM_006206.6(PDGFRA):c.2894T>C (p.Ile965Thr)

Gene: PDGFRA (platelet derived growth factor receptor alpha; plus strand). Cytogenetic location: 4q12.
Variant type: single nucleotide variant.
Coding change: c.2894T>C on transcript NM_006206.6 (MANE Select); coding-DNA position 2894, T replaced by C.
Protein change: p.Ile965Thr; replaces isoleucine 965 with threonine.
Molecular consequence: missense variant.
Genome position (GRCh38, 1-based): chr4:54,290,326, T>C. VCF-style: chr4-54290326-T-C. GRCh37 (hg19) VCF-style: chr4-55156493-T-C.
Other names: c.2969T>C, p.Ile990Thr (NM_001347828.2); c.2894T>C, p.Ile965Thr (NM_001347829.2); c.2933T>C, p.Ile978Thr (NM_001347830.2); short protein forms I965T, I990T, I978T.
Identifiers: ClinVar variation 5026407 (VCV005026407.1).

ClinVar aggregate classification (germline): Uncertain significance (1 of 4 stars; one submission).

Conditions:
Hereditary cancer-predisposing syndrome. Also called: Neoplastic Syndromes, Hereditary; Tumor predisposition; Hereditary neoplastic syndrome; Hereditary Cancer Syndrome. Identifiers: Orphanet 140162, MedGen C0027672, MeSH D009386, MONDO:0015356.

Submission:

Ambry Genetics
Classification: Uncertain significance for Hereditary cancer-predisposing syndrome. Last evaluated: 2026-07-01. Review status: criteria provided, single submitter. Criteria: Ambry Variant Classification Scheme 2023. Collection method: clinical testing. Allele origin: germline.
Comment: The p.I965T variant (also known as c.2894T>C), located in coding exon 21 of the PDGFRA gene, results from a T to C substitution at nucleotide position 2894. The isoleucine at codon 965 is replaced by threonine, an amino acid with similar properties. This amino acid position is conserved. In addition, the in silico prediction for this alteration is inconclusive. Based on the available evidence, the clinical significance of this variant remains unclear.